The following is an entry in ClinVar:

ClinVar aggregate classification (germline): Conflicting classifications of pathogenicity. Review status: criteria provided, conflicting classifications (1 of 4 stars). 3 submissions from 3 submitters: Uncertain significance (1); Likely benign (2). Last evaluated 2024-08-01.

Conditions:
Hereditary cancer-predisposing syndrome. Also called: Hereditary Cancer Syndrome; Hereditary neoplastic syndrome; Neoplastic Syndromes, Hereditary; Tumor predisposition. Identifiers: Orphanet 140162, MedGen C0027672, MeSH D009386, MONDO:0015356.
Juvenile polyposis syndrome (JPS). Identifiers: Orphanet 2929, MedGen C0345893, MONDO:0017380, OMIM 174900.

Allele frequency attached by ClinVar (database versions not stated): gnomAD exomes below 0.00001.
gnomAD v4.1: 1 of 1,614,182 alleles (0.000062%); highest among the groups gnomAD compares: South Asian, 0.0011%; no homozygotes.

Submissions (3):

Myriad Genetics, Inc.
Classification: Likely benign for Juvenile polyposis syndrome. Last evaluated: 2024-08-01. Review status: criteria provided, single submitter. Criteria: Myriad Autosomal Dominant, Autosomal Recessive and X-Linked Classification Criteria (2023). Collection method: clinical testing. Allele origin: unknown.
Comment: This variant is considered likely benign. This variant is intronic and is not expected to impact mRNA splicing.

Color Diagnostics, LLC DBA Color Health
Classification: Uncertain significance for Hereditary cancer-predisposing syndrome. Last evaluated: 2019-06-04. Review status: criteria provided, single submitter. Criteria: ACMG Guidelines, 2015. Collection method: clinical testing. Allele origin: germline.

Labcorp Genetics (formerly Invitae), Labcorp
Classification: Likely benign for Juvenile polyposis syndrome. Last evaluated: 2019-04-01. Review status: criteria provided, single submitter. Criteria: Invitae Variant Classification Sherloc (09022015). Collection method: clinical testing. Allele origin: germline.

NM_004329.3(BMPR1A):c.431-7T>C

Gene: BMPR1A (bone morphogenetic protein receptor type 1A; plus strand). Cytogenetic location: 10q23.2.
Variant type: single nucleotide variant.
Coding change: c.431-7T>C on transcript NM_004329.3 (MANE Select); 7 bases into the intron before coding-DNA position 431, T replaced by C.
Molecular consequence: intron variant.
Genome position (GRCh38, 1-based): chr10:86,900,020, T>C. VCF-style: chr10-86900020-T-C. GRCh37 (hg19) VCF-style: chr10-88659777-T-C.
Identifiers: ClinVar variation 919201 (VCV000919201.12), dbSNP rs1843285734, ClinGen allele CA913188299.
Genomic context (GRCh38, chr10:86,900,020, plus strand): 5'-CCTAGAATTGAACACGTCAGATTATTTTTTCATTTCAATTGTTTACATTGTTTACTTTTA[T>C]TGTCAGGTCCGTTTTTTGATGGCAGCATTCGATGGCTGGTTTTGCTCATTTCTATGGCTG-3'